The following is an entry in ClinVar:

NC_000001.10:g.(?_216011313)_(216011465_?)dup

Gene: USH2A (usherin; minus strand). Cytogenetic location: 1q41.
Variant type: Duplication.
Identifiers: ClinVar variation 3248077 (VCV003248077.1).

ClinVar aggregate classification (germline): Likely pathogenic (1 of 4 stars; one submission).

Submission:

Labcorp Genetics (formerly Invitae), Labcorp
Classification: Likely pathogenic. Last evaluated: 2023-08-10. Review status: criteria provided, single submitter. Criteria: Invitae Variant Classification Sherloc (09022015). Collection method: clinical testing. Allele origin: unknown.
Comment: In summary, the currently available evidence indicates that the variant is pathogenic, but additional data are needed to prove that conclusively. Therefore, this variant has been classified as Likely Pathogenic. This variant results in a copy number gain of the genomic region encompassing exon(s) 47 of the USH2A gene. While the exact position of this variant cannot be determined from the data, sub-genic copy number gains are generally in tandem (PMID: 25640679). This variant is predicted to be out-of-frame, and may result in an absent or disrupted protein product. Loss-of-function variants in USH2A are known to be pathogenic (PMID: 10729113, 10909849, 20507924, 25649381). This variant has not been reported in the literature in individuals affected with USH2A-related conditions.

Literature cited by the submitters: PubMed 25640679; PubMed 10729113; PubMed 10909849; PubMed 20507924; PubMed 25649381.